The following is an entry in ClinVar:

ClinVar aggregate classification (germline): Uncertain significance (1 of 4 stars; one submission).

Conditions:
MAP1B-related disorder. Also called: MAP1B-related condition.

gnomAD v4.1: 42 of 1,613,690 alleles (0.0026%); highest among the groups gnomAD compares: South Asian, 0.033%; no homozygotes.

Submission:

PreventionGenetics, part of Exact Sciences
Classification: Uncertain significance for MAP1B-related condition. Last evaluated: 2026-03-08. Review status: criteria provided, single submitter. Criteria: ACMG Guidelines, 2015. Collection method: clinical testing. Allele origin: germline.
Comment: The MAP1B c.2764G>A variant is predicted to result in the amino acid substitution p.Asp922Asn. To our knowledge, this variant has not been reported in the literature. This variant is reported in 0.049% of alleles in individuals of South Asian descent in gnomAD. Although we suspect that this variant may be benign, at this time, the clinical significance of this variant is uncertain due to the absence of conclusive functional and genetic evidence.

NM_005909.5(MAP1B):c.2764G>A (p.Asp922Asn)

Gene: MAP1B (microtubule associated protein 1B; plus strand). Cytogenetic location: 5q13.2.
Variant type: single nucleotide variant.
Coding change: c.2764G>A on transcript NM_005909.5 (MANE Select); coding-DNA position 2764, G replaced by A.
Protein change: p.Asp922Asn; replaces aspartic acid 922 with asparagine.
Molecular consequence: missense variant.
Genome position (GRCh38, 1-based): chr5:72,196,119, G>A. VCF-style: chr5-72196119-G-A. GRCh37 (hg19) VCF-style: chr5-71491946-G-A.
Other names: c.2386G>A, p.Asp796Asn (NM_001324255.2); short protein forms D922N, D796N.
Identifiers: ClinVar variation 4984969 (VCV004984969.1).